The following is an entry in ClinVar:

NM_000512.5(GALNS):c.1172T>C (p.Met391Thr)

Gene: GALNS (galactosamine (N-acetyl)-6-sulfatase; minus strand). Cytogenetic location: 16q24.3.
Variant type: single nucleotide variant.
Coding change: c.1172T>C on transcript NM_000512.5 (MANE Select); coding-DNA position 1172, T replaced by C.
Protein change: p.Met391Thr; replaces methionine 391 with threonine.
Molecular consequence: missense variant.
Genome position (GRCh38, 1-based): chr16:88,824,837, A>G on the plus strand (T>C on the coding strand, the complement: GALNS is on the minus strand). VCF-style: chr16-88824837-A-G. GRCh37 (hg19) VCF-style: chr16-88891245-A-G.
Other names: c.617T>C, p.Met206Thr (NM_001323543.2); c.1190T>C, p.Met397Thr (NM_001323544.2); short protein forms M206T, M391T, M397T.
Identifiers: ClinVar variation 4802781 (VCV004802781.1).
Genomic context (GRCh38, chr16:88,824,837, plus strand): 5'-TTCTCCCAGGAGTTGGTCCAGGTCCAGAAGTGAGCCTTGTGCTGCCCGAGGGTGGCCGCC[A>G]TCAGCGTGTCGCCACGGTAATAGAAGATAGGCCTGTGGGATGGGAGGGGAGGACCATGTA-3'
Protein context (NP_000503.1, residues 381-401): PIFYYRGDTL[Met391Thr]AATLGQHKAH

ClinVar aggregate classification (germline): Likely pathogenic (1 of 4 stars; one submission).

Conditions:
Mucopolysaccharidosis, MPS-IV-A (MPS4A). Also called: Mucopolysaccharidosis type IV A; Mucopolysaccharidosis Type IVA; Morquio syndrome A, mild; MORQUIO SYNDROME A; GALACTOSAMINE-6-SULFATASE DEFICIENCY; GALNS DEFICIENCY. Identifiers: Orphanet 309297, Orphanet 582, MedGen C0086651, MONDO:0009659, OMIM 253000.

Submission:

Labcorp Genetics (formerly Invitae), Labcorp
Classification: Likely pathogenic for Mucopolysaccharidosis, MPS-IV-A. Last evaluated: 2025-04-19. Review status: criteria provided, single submitter. Criteria: Invitae Variant Classification Sherloc (09022015). Collection method: clinical testing. Allele origin: germline.
Comment: This sequence change replaces methionine, which is neutral and non-polar, with threonine, which is neutral and polar, at codon 391 of the GALNS protein (p.Met391Thr). This variant is not present in population databases (gnomAD no frequency). This variant has not been reported in the literature in individuals affected with GALNS-related conditions. Invitae Evidence Modeling of protein sequence and biophysical properties (such as structural, functional, and spatial information, amino acid conservation, physicochemical variation, residue mobility, and thermodynamic stability) indicates that this missense variant is expected to disrupt GALNS protein function with a positive predictive value of 95%. This variant disrupts the p.Met391 amino acid residue in GALNS. Other variant(s) that disrupt this residue have been determined to be pathogenic (PMID: 7668283, 9375852, 25137622). This suggests that this residue is clinically significant, and that variants that disrupt this residue are likely to be disease-causing. In summary, the currently available evidence indicates that the variant is pathogenic, but additional data are needed to prove that conclusively. Therefore, this variant has been classified as Likely Pathogenic.

Literature cited by the submitters: PubMed 7668283; PubMed 9375852; PubMed 25137622.